The following is an entry in ClinVar:

ClinVar aggregate classification (germline): Uncertain significance (1 of 4 stars; one submission).

Allele frequency attached by ClinVar (database versions not stated): ExAC 0.00001; gnomAD 0.00001; 1000 Genomes Project 30x 0.00016; 1000 Genomes Project 0.00020.
gnomAD v4.1: 2 of 1,612,902 alleles (0.00012%); highest among the groups gnomAD compares: East Asian, 0.0022%; no homozygotes.

Submission:

Labcorp Genetics (formerly Invitae), Labcorp
Classification: Uncertain significance. Last evaluated: 2026-01-06. Review status: criteria provided, single submitter. Criteria: Invitae Variant Classification Sherloc (09022015). Collection method: clinical testing. Allele origin: germline.
Comment: This sequence change replaces serine, which is neutral and polar, with threonine, which is neutral and polar, at codon 1147 of the ITSN2 protein (p.Ser1147Thr). This variant is present in population databases (rs529026492, gnomAD 0.006%). This variant has not been reported in the literature in individuals affected with ITSN2-related conditions. ClinVar contains an entry for this variant (Variation ID: 2719141). Experimental studies and prediction algorithms are not available or were not evaluated, and the functional significance of this variant is currently unknown. Algorithms developed to predict the effect of sequence changes on RNA splicing suggest that this variant may create or strengthen a splice site. In summary, the available evidence is currently insufficient to determine the role of this variant in disease. Therefore, it has been classified as a Variant of Uncertain Significance.

NM_006277.3(ITSN2):c.3440G>C (p.Ser1147Thr)

Gene: ITSN2 (intersectin 2; minus strand). Cytogenetic location: 2p23.3.
Variant type: single nucleotide variant.
Coding change: c.3440G>C on transcript NM_006277.3 (MANE Select); coding-DNA position 3440, G replaced by C.
Protein change: p.Ser1147Thr; replaces serine 1147 with threonine.
Molecular consequence: missense variant.
Genome position (GRCh38, 1-based): chr2:24,246,266, C>G on the plus strand (G>C on the coding strand, the complement: ITSN2 is on the minus strand). VCF-style: chr2-24246266-C-G. GRCh37 (hg19) VCF-style: chr2-24469135-C-G.
Other names: c.3398G>C, p.Ser1133Thr (NM_001348181.2); c.3320G>C, p.Ser1107Thr (NM_001348182.2, NM_001348186.2); c.3359G>C, p.Ser1120Thr (NM_001348183.2, NM_019595.4); c.3317G>C, p.Ser1106Thr (NM_001348184.2); c.3401G>C, p.Ser1134Thr (NM_001348185.2); c.3440G>C, p.Ser1147Thr (NM_147152.3); short protein forms S1133T, S1107T, S1106T, S1120T, S1134T, S1147T.
Identifiers: ClinVar variation 2719141 (VCV002719141.3), dbSNP rs529026492, ClinGen allele CA1550908.